The following is an entry in ClinVar:

NM_001903.5(CTNNA1):c.1336G>A (p.Gly446Ser)

Gene: CTNNA1 (catenin alpha 1; plus strand). Cytogenetic location: 5q31.2.
Variant type: single nucleotide variant.
Coding change: c.1336G>A on transcript NM_001903.5 (MANE Select); coding-DNA position 1336, G replaced by A.
Protein change: p.Gly446Ser; replaces glycine 446 with serine.
Molecular consequence: missense variant. On other transcripts: 5 prime UTR variant (6), intron variant (3).
Genome position (GRCh38, 1-based): chr5:138,904,388, G>A. VCF-style: chr5-138904388-G-A. GRCh37 (hg19) VCF-style: chr5-138240077-G-A.
Other names: c.1336G>A, p.Gly446Ser (NM_001290307.3, NM_001323982.2, NM_001323983.1 and 2 more transcripts); c.1027G>A, p.Gly343Ser (NM_001290309.3); c.967G>A, p.Gly323Ser (NM_001290310.3); c.226G>A, p.Gly76Ser (NM_001290312.1, NM_001323987.1, NM_001323988.1 and 17 more transcripts); c.-172G>A (NM_001324006.1, NM_001324007.1, NM_001324008.1 and 1 more transcripts); c.-18G>A (NM_001324012.1, NM_001324013.1); c.1297-13354G>A (NM_001323986.2); c.187-13354G>A (NM_001324011.1); and 1 more; short protein forms G343S, G76S, G446S, G323S.
Identifiers: ClinVar variation 1770245 (VCV001770245.2), dbSNP rs2533353127, ClinGen allele CA361135945.

ClinVar aggregate classification (germline): Uncertain significance (1 of 4 stars; one submission).

Conditions:
Hereditary cancer-predisposing syndrome. Also called: Hereditary Cancer Syndrome; Hereditary neoplastic syndrome; Neoplastic Syndromes, Hereditary; Tumor predisposition. Identifiers: Orphanet 140162, MedGen C0027672, MeSH D009386, MONDO:0015356.

Submission:

Ambry Genetics
Classification: Uncertain significance for Hereditary cancer-predisposing syndrome. Last evaluated: 2022-05-06. Review status: criteria provided, single submitter. Criteria: Ambry Variant Classification Scheme 2023. Collection method: clinical testing. Allele origin: germline.
Comment: The p.G446S variant (also known as c.1336G>A), located in coding exon 9 of the CTNNA1 gene, results from a G to A substitution at nucleotide position 1336. The glycine at codon 446 is replaced by serine, an amino acid with similar properties. This amino acid position is conserved. In addition, the in silico prediction for this alteration is inconclusive. Since supporting evidence is limited at this time, the clinical significance of this alteration remains unclear.